The following is an entry in ClinVar:

NM_000090.4(COL3A1):c.3532C>G (p.Pro1178Ala)

Gene: COL3A1 (collagen type III alpha 1 chain; plus strand). Cytogenetic location: 2q32.2.
Variant type: single nucleotide variant.
Coding change: c.3532C>G on transcript NM_000090.4 (MANE Select); coding-DNA position 3532, C replaced by G.
Protein change: p.Pro1178Ala; replaces proline 1178 with alanine.
Molecular consequence: missense variant.
Genome position (GRCh38, 1-based): chr2:189,008,930, C>G. VCF-style: chr2-189008930-C-G. GRCh37 (hg19) VCF-style: chr2-189873656-C-G.
Other names: short protein forms P1178A.
Identifiers: ClinVar variation 2080158 (VCV002080158.5), dbSNP rs759565407, ClinGen allele CA076185.

ClinVar aggregate classification (germline): Uncertain significance. Review status: criteria provided, multiple submitters, no conflicts (2 of 4 stars). 2 submissions from 2 submitters: Uncertain significance (2). Last evaluated 2025-11-09.

Conditions:
Ehlers-Danlos syndrome, type 4 (EDSVASC). Also called: Ehlers-Danlos syndrome vascular type; Ehlers Danlos syndrome, ecchymotic type; Ehlers Danlos syndrome, arterial type; Ehlers Danlos syndrome, Sack-Barabas type; Ehlers-Danlos Syndrome Type IV. Identifiers: Orphanet 286, MedGen C0268338, MONDO:0017314, OMIM 130050.

Allele frequency attached by ClinVar (database versions not stated): ExAC 0.00002.
gnomAD v4.1: 3 of 1,613,850 alleles (0.00019%); highest among the groups gnomAD compares: East Asian, 0.0045%; no homozygotes.

Submissions (2):

Labcorp Genetics (formerly Invitae), Labcorp
Classification: Uncertain significance for Ehlers-Danlos syndrome, type 4. Last evaluated: 2025-11-09. Review status: criteria provided, single submitter. Criteria: Invitae Variant Classification Sherloc (09022015). Collection method: clinical testing. Allele origin: germline.
Comment: This sequence change replaces proline, which is neutral and non-polar, with alanine, which is neutral and non-polar, at codon 1178 of the COL3A1 protein (p.Pro1178Ala). This variant is present in population databases (rs759565407, gnomAD 0.006%). This variant has not been reported in the literature in individuals affected with COL3A1-related conditions. ClinVar contains an entry for this variant (Variation ID: 2080158). Invitae Evidence Modeling of protein sequence and biophysical properties (such as structural, functional, and spatial information, amino acid conservation, physicochemical variation, residue mobility, and thermodynamic stability) indicates that this missense variant is not expected to disrupt COL3A1 protein function with a negative predictive value of 95%. In summary, the available evidence is currently insufficient to determine the role of this variant in disease. Therefore, it has been classified as a Variant of Uncertain Significance.

All of Us Research Program, National Institutes of Health
Classification: Uncertain significance for Ehlers-Danlos syndrome, type 4. Last evaluated: 2023-12-01. Review status: criteria provided, single submitter. Criteria: ACMG Guidelines, 2015. Collection method: clinical testing. Allele origin: germline. Inheritance: Autosomal dominant inheritance. Observed: 2 variant alleles, 2 heterozygotes.
Comment: This study involves interpretation of variants in research participants for the purpose of population health screening. Participant phenotype was not available at the time of variant classification. Additional details can be found in publication PMID: 35346344, PMCID: PMC8962531